The following is an entry in ClinVar:

NM_018013.4(SOBP):c.1266C>G (p.Pro422=)

Gene: SOBP (sine oculis binding protein homolog; plus strand). Cytogenetic location: 6q21.
Variant type: single nucleotide variant.
Coding change: c.1266C>G on transcript NM_018013.4 (MANE Select); coding-DNA position 1266, C replaced by G.
Protein change: p.Pro422=; no amino-acid change (proline 422 retained).
Molecular consequence: synonymous variant.
Genome position (GRCh38, 1-based): chr6:107,634,110, C>G. VCF-style: chr6-107634110-C-G. GRCh37 (hg19) VCF-style: chr6-107955314-C-G.
Identifiers: ClinVar variation 3389807 (VCV003389807.14).

ClinVar aggregate classification (germline): Likely benign (1 of 4 stars; one submission).

Submission:

CeGaT Center for Human Genetics Tuebingen
Classification: Likely benign. Last evaluated: 2024-10-01. Review status: criteria provided, single submitter. Criteria: CeGaT Center For Human Genetics Tuebingen Variant Classification Criteria Version 2. Collection method: clinical testing. Allele origin: germline. Affected: yes. Observed: 1 variant allele.
Comment: SOBP: PM2:Supporting, BP4, BP7